The following is an entry in ClinVar:

ClinVar aggregate classification (germline): Uncertain significance (1 of 4 stars; one submission).

Conditions:
Ullrich congenital muscular dystrophy 2 (UCMD2). Identifiers: Orphanet 75840, MedGen C4225314, MONDO:0014654, OMIM 616470.
Bethlem myopathy 2 (BTHLM2). Identifiers: Orphanet 536516, Orphanet 610, MedGen C4225313, MONDO:0034022, OMIM 616471.

Submission:

Labcorp Genetics (formerly Invitae), Labcorp
Classification: Uncertain significance for Bethlem myopathy 2; Ullrich congenital muscular dystrophy 2. Last evaluated: 2024-10-17. Review status: criteria provided, single submitter. Criteria: Invitae Variant Classification Sherloc (09022015). Collection method: clinical testing. Allele origin: germline.
Comment: This sequence change replaces threonine, which is neutral and polar, with serine, which is neutral and polar, at codon 1348 of the COL12A1 protein (p.Thr1348Ser). This variant is not present in population databases (gnomAD no frequency). This variant has not been reported in the literature in individuals affected with COL12A1-related conditions. Invitae Evidence Modeling of protein sequence and biophysical properties (such as structural, functional, and spatial information, amino acid conservation, physicochemical variation, residue mobility, and thermodynamic stability) indicates that this missense variant is not expected to disrupt COL12A1 protein function with a negative predictive value of 80%. In summary, the available evidence is currently insufficient to determine the role of this variant in disease. Therefore, it has been classified as a Variant of Uncertain Significance.

NM_004370.6(COL12A1):c.4042A>T (p.Thr1348Ser)

Gene: COL12A1 (collagen type XII alpha 1 chain; minus strand). Cytogenetic location: 6q13.
Variant type: single nucleotide variant.
Coding change: c.4042A>T on transcript NM_004370.6 (MANE Select); coding-DNA position 4042, A replaced by T.
Protein change: p.Thr1348Ser; replaces threonine 1348 with serine.
Molecular consequence: missense variant.
Genome position (GRCh38, 1-based): chr6:75,151,246, T>A on the plus strand (A>T on the coding strand, the complement: COL12A1 is on the minus strand). VCF-style: chr6-75151246-T-A. GRCh37 (hg19) VCF-style: chr6-75860962-T-A.
Other names: c.4042A>T, p.Thr1348Ser (NM_001424113.1, NM_001424114.1); c.3769A>T, p.Thr1257Ser (NM_001424115.1); c.550A>T, p.Thr184Ser (NM_001424116.1, NM_080645.3); short protein forms T1257S, T1348S, T184S.
Identifiers: ClinVar variation 3757986 (VCV003757986.2).